The following is an entry in ClinVar:

ClinVar aggregate classification (germline): Uncertain significance (1 of 4 stars; one submission).

Conditions:
Leigh syndrome (NULS). Also called: Leigh's necrotizing encephalopathy; Leigh's disease; Leigh Syndrome (mtDNA deletion); Leigh Disease; Subacute necrotizing encephalopathy; Necrotizing encephalopathy infantile subacute of Leigh. Identifiers: Orphanet 506, MedGen C2931891, MONDO:0009723, OMIM 256000.

Submission:

Wong Mito Lab, Molecular and Human Genetics, Baylor College of Medicine
Classification: Uncertain significance for Leigh syndrome. Last evaluated: 2019-10-17. Review status: criteria provided, single submitter. Criteria: Modified ACMG Guidelines (Unpublished). Collection method: clinical testing. Allele origin: germline.
Comment: The NC_012920.1:m.8593A>G (YP_003024031.1:p.Ile23Val) variant in MTATP6 gene is interpretated to be a Uncertain Significance variant based on the modified ACMG guidelines (unpublished). This variant meets the following evidence codes: BP4

NC_012920.1(MT-ATP6):m.8593A>G

Gene: MT-ATP6 (mitochondrially encoded ATP synthase 6; plus strand).
Variant type: single nucleotide variant.
Genome position: chrM-8593-A-G.
Identifiers: ClinVar variation 692916 (VCV000692916.1), dbSNP rs1603221612, ClinGen allele CA414796838.